The following is an entry in ClinVar:

ClinVar aggregate classification (germline): Benign/Likely benign. Review status: criteria provided, multiple submitters, no conflicts (2 of 4 stars). 3 submissions from 3 submitters: Benign (1); Likely benign (1). 1 of the submissions does not count toward it. Last evaluated 2024-11-01.

Conditions:
ESRP1-related disorder. Also called: ESRP1-related condition.

Allele frequency attached by ClinVar (database versions not stated): ESP Exome Variant Server 0.00215; gnomAD 0.00240 and 0.00255; TOPMed 0.00258; 1000 Genomes Project 30x 0.00297; 1000 Genomes Project 0.00379.
gnomAD v4.1: 999 of 1,613,524 alleles (0.062%); highest among the groups gnomAD compares: African/African-American, 0.84%; 6 homozygotes.

Submissions (3):

Blueprint Genetics
Classification: Likely benign. Last evaluated: 2024-11-01. Review status: criteria provided, single submitter. Criteria: ACMG Guidelines, 2015. Collection method: clinical testing. Allele origin: germline.

Labcorp Genetics (formerly Invitae), Labcorp
Classification: Benign. Last evaluated: 2018-06-13. Review status: criteria provided, single submitter. Criteria: Invitae Variant Classification Sherloc (09022015). Collection method: clinical testing. Allele origin: germline.

PreventionGenetics, part of Exact Sciences
Classification: Likely benign for ESRP1-related condition. Last evaluated: 2019-02-28. Review status: no assertion criteria provided. Collection method: clinical testing. Allele origin: germline. Not counted in ClinVar's aggregate classification.
Comment: This variant is classified as likely benign based on ACMG/AMP sequence variant interpretation guidelines (Richards et al. 2015 PMID: 25741868, with internal and published modifications).

NM_017697.4(ESRP1):c.133-10A>G

Gene: ESRP1 (epithelial splicing regulatory protein 1; plus strand). Cytogenetic location: 8q22.1.
Variant type: single nucleotide variant.
Coding change: c.133-10A>G on transcript NM_017697.4 (MANE Select); 10 bases into the intron before coding-DNA position 133, A replaced by G.
Molecular consequence: intron variant.
Genome position (GRCh38, 1-based): chr8:94,641,946, A>G. VCF-style: chr8-94641946-A-G. GRCh37 (hg19) VCF-style: chr8-95654174-A-G.
Other names: c.133-10A>G (NM_001122825.2, NM_001034915.3, NM_001122826.2 and 1 more transcripts).
Identifiers: ClinVar variation 778398 (VCV000778398.6), dbSNP rs144813599, ClinGen allele CA4811941.